The following is an entry in ClinVar:

NM_177438.3(DICER1):c.5363A>G (p.Glu1788Gly)

Gene: DICER1 (dicer 1, ribonuclease III; minus strand). Cytogenetic location: 14q32.13.
Variant type: single nucleotide variant.
Coding change: c.5363A>G on transcript NM_177438.3 (MANE Select); coding-DNA position 5363, A replaced by G.
Protein change: p.Glu1788Gly; replaces glutamic acid 1788 with glycine.
Molecular consequence: missense variant. On other transcripts: non-coding transcript variant (6).
Genome position (GRCh38, 1-based): chr14:95,093,889, T>C on the plus strand (A>G on the coding strand, the complement: DICER1 is on the minus strand). VCF-style: chr14-95093889-T-C. GRCh37 (hg19) VCF-style: chr14-95560226-T-C.
Other names: c.5363A>G, p.Glu1788Gly (NM_001195573.1, NM_001271282.3, NM_001291628.2 and 8 more transcripts); c.5081A>G, p.Glu1694Gly (NM_001395686.1); c.4958A>G, p.Glu1653Gly (NM_001395687.1, NM_001395688.1, NM_001395689.1 and 1 more transcripts); c.4796A>G, p.Glu1599Gly (NM_001395691.1); c.3680A>G, p.Glu1227Gly (NM_001395697.1); short protein forms E1694G, E1599G, E1227G, E1653G, E1788G.
Identifiers: ClinVar variation 4746767 (VCV004746767.1).

ClinVar aggregate classification (germline): Uncertain significance (1 of 4 stars; one submission).

Conditions:
DICER1-related tumor predisposition. Also called: DICER1-related pleuropulmonary blastoma cancer predisposition syndrome; DICER1 syndrome. Identifiers: Orphanet 284343, MedGen C3839822, MONDO:0100216.

Submission:

Labcorp Genetics (formerly Invitae), Labcorp
Classification: Uncertain significance for DICER1-related tumor predisposition. Last evaluated: 2025-08-18. Review status: criteria provided, single submitter. Criteria: Invitae Variant Classification Sherloc (09022015). Collection method: clinical testing. Allele origin: germline.
Comment: This sequence change replaces glutamic acid, which is acidic and polar, with glycine, which is neutral and non-polar, at codon 1788 of the DICER1 protein (p.Glu1788Gly). This variant is not present in population databases (gnomAD no frequency). This variant has not been reported in the literature in individuals affected with DICER1-related conditions. Invitae Evidence Modeling of protein sequence and biophysical properties (such as structural, functional, and spatial information, amino acid conservation, physicochemical variation, residue mobility, and thermodynamic stability) indicates that this missense variant is not expected to disrupt DICER1 protein function with a negative predictive value of 95%. In summary, the available evidence is currently insufficient to determine the role of this variant in disease. Therefore, it has been classified as a Variant of Uncertain Significance.